The following is an entry in ClinVar:

ClinVar aggregate classification (germline): Conflicting classifications of pathogenicity. Review status: criteria provided, conflicting classifications (1 of 4 stars). 3 submissions from 3 submitters: Likely pathogenic (2); Uncertain significance (1). Last evaluated 2024-04-26.

Conditions:
Primary ciliary dyskinesia. Also called: Ciliary dyskinesia. Identifiers: Orphanet 244, MedGen C0008780, MONDO:0016575, HP:0012265.

Allele frequency attached by ClinVar (database versions not stated): TOPMed 0.00001; gnomAD 0.00003; gnomAD exomes 0.00004 and 0.00008; ESP Exome Variant Server 0.00008; ExAC 0.00016.
gnomAD v4.1: 65 of 1,612,984 alleles (0.004%); highest among the groups gnomAD compares: Non-Finnish European, 0.0044%; no homozygotes.

Submissions (3):

Blueprint Genetics
Classification: Uncertain significance. Last evaluated: 2024-04-26. Review status: criteria provided, single submitter. Criteria: ACMG Guidelines, 2015. Collection method: clinical testing. Allele origin: germline.

Labcorp Genetics (formerly Invitae), Labcorp
Classification: Likely pathogenic for Primary ciliary dyskinesia. Last evaluated: 2022-03-02. Review status: criteria provided, single submitter. Criteria: Invitae Variant Classification Sherloc (09022015). Collection method: clinical testing. Allele origin: germline.
Comment: This sequence change replaces cysteine, which is neutral and slightly polar, with arginine, which is basic and polar, at codon 420 of the DNAAF5 protein (p.Cys420Arg). This variant is present in population databases (rs147811057, gnomAD 0.01%). This missense change has been observed in individual(s) with DNAAF5-related conditions (Invitae). ClinVar contains an entry for this variant (Variation ID: 454849). Algorithms developed to predict the effect of missense changes on protein structure and function are either unavailable or do not agree on the potential impact of this missense change (SIFT: "Deleterious"; PolyPhen-2: "Possibly Damaging"; Align-GVGD: "Class C0"). In summary, the currently available evidence indicates that the variant is pathogenic, but additional data are needed to prove that conclusively. Therefore, this variant has been classified as Likely Pathogenic.

Ambry Genetics
Classification: Likely pathogenic for Primary ciliary dyskinesia. Last evaluated: 2017-08-02. Review status: criteria provided, single submitter. Criteria: Ambry Variant Classification Scheme 2023. Collection method: clinical testing. Allele origin: germline.
Comment: The p.C420R variant (also known as c.1258T>C) is located in coding exon 6 of the DNAAF5 gene. The cysteine at codon 420 is replaced by arginine, an amino acid with highly dissimilar properties. This change occurs in the first base pair of coding exon 6. This amino acid position is not well conserved in available vertebrate species. In addition, the in silico prediction for this alteration is inconclusive. Based on the majority of available evidence to date, this variant is likely to be pathogenic.

NM_017802.4(DNAAF5):c.1258T>C (p.Cys420Arg)

Gene: DNAAF5 (dynein axonemal assembly factor 5; plus strand). Cytogenetic location: 7p22.3.
Variant type: single nucleotide variant.
Coding change: c.1258T>C on transcript NM_017802.4 (MANE Select); coding-DNA position 1258, T replaced by C.
Protein change: p.Cys420Arg; replaces cysteine 420 with arginine.
Molecular consequence: missense variant. On other transcripts: non-coding transcript variant (1).
Genome position (GRCh38, 1-based): chr7:756,782, T>C. VCF-style: chr7-756782-T-C. GRCh37 (hg19) VCF-style: chr7-796419-T-C.
Other names: short protein forms C420R.
Identifiers: ClinVar variation 454849 (VCV000454849.13), dbSNP rs147811057, ClinGen allele CA4110676.
Genomic context (GRCh38, chr7:756,782, plus strand): 5'-AGGAGCCCGGCTGAGACCCTCGGGTTTGGCTCTGAGTTTTCTCATGTTTCTTTCTCGCAG[T>C]GTACCAGATCCGCAGAGCTCGTCGGGACGTTTGTCAGCCCTGAGGTGTTTCTGAAGCTGA-3'
Protein context (NP_060272.3, residues 410-430): TDEEAAVVQS[Cys420Arg]TRSAELVGTF